The following is an entry in ClinVar:

NM_000548.5(TSC2):c.3567G>A (p.Leu1189=)

Gene: TSC2 (TSC complex subunit 2; plus strand). Cytogenetic location: 16p13.3.
Variant type: single nucleotide variant.
Coding change: c.3567G>A on transcript NM_000548.5 (MANE Select); coding-DNA position 3567, G replaced by A.
Protein change: p.Leu1189=; no amino-acid change (leucine 1189 retained).
Molecular consequence: synonymous variant.
Genome position (GRCh38, 1-based): chr16:2,080,334, G>A. VCF-style: chr16-2080334-G-A. GRCh37 (hg19) VCF-style: chr16-2130335-G-A.
Other names: c.3567G>A (NM_000548.4); c.3435G>A, p.Leu1145= (NM_001077183.3, NM_001370404.1); c.3567G>A, p.Leu1189= (NM_001114382.3); c.3327G>A, p.Leu1109= (NM_001318827.2); c.3291G>A, p.Leu1097= (NM_001318829.2); c.2835G>A, p.Leu945= (NM_001318831.2); c.3468G>A, p.Leu1156= (NM_001318832.2); c.3438G>A, p.Leu1146= (NM_001363528.2, NM_001370405.1, NM_021055.3).
Identifiers: ClinVar variation 468023 (VCV000468023.27), dbSNP rs146734084, ClinGen allele CA047482.

ClinVar aggregate classification (germline): Conflicting classifications of pathogenicity. Review status: criteria provided, conflicting classifications (1 of 4 stars). 9 submissions from 9 submitters: Uncertain significance (1); Benign (2); Likely benign (6). Last evaluated 2026-02-07.

Conditions:
TSC2-related disorder. Also called: TSC2-Related Disorders; TSC2-related condition.
Hereditary cancer-predisposing syndrome. Also called: Tumor predisposition; Hereditary neoplastic syndrome; Neoplastic Syndromes, Hereditary; Hereditary Cancer Syndrome. Identifiers: Orphanet 140162, MedGen C0027672, MeSH D009386, MONDO:0015356.
Tuberous sclerosis syndrome (TSC). Also called: Tuberous Sclerosis Complex; Tuberous sclerosis. Identifiers: Orphanet 805, MedGen C0041341, MONDO:0001734.
Tuberous sclerosis 2 (TSC2). Identifiers: Orphanet 805, MedGen C1860707, MONDO:0013199, OMIM 613254.

Allele frequency attached by ClinVar (database versions not stated): TOPMed 0.00001; gnomAD exomes 0.00004 and 0.00005; ExAC 0.00005; ESP Exome Variant Server 0.00015.
gnomAD v4.1: 70 of 1,612,652 alleles (0.0043%); highest among the groups gnomAD compares: Middle Eastern, 0.017%; no homozygotes.

Submissions (9):

PreventionGenetics, part of Exact Sciences
Classification: Likely benign for TSC2-related condition. Last evaluated: 2026-02-07. Review status: criteria provided, single submitter. Criteria: ACMG Guidelines, 2015. Collection method: clinical testing. Allele origin: germline.
Comment: This variant is classified as likely benign based on ACMG/AMP sequence variant interpretation guidelines (Richards et al. 2015 PMID: 25741868, with internal and published modifications).

Labcorp Genetics (formerly Invitae), Labcorp
Classification: Benign for Tuberous sclerosis 2. Last evaluated: 2026-01-23. Review status: criteria provided, single submitter. Criteria: Invitae Variant Classification Sherloc (09022015). Collection method: clinical testing. Allele origin: germline.

Myriad Genetics, Inc.
Classification: Benign for Tuberous sclerosis 2. Last evaluated: 2025-05-29. Review status: criteria provided, single submitter. Criteria: Myriad Autosomal Dominant, Autosomal Recessive and X-Linked Classification Criteria (2023). Collection method: clinical testing. Allele origin: unknown.
Comment: This variant is considered benign. This variant is a silent/synonymous amino acid change and it is not expected to impact splicing.

Color Diagnostics, LLC DBA Color Health
Classification: Likely benign for Tuberous sclerosis syndrome. Last evaluated: 2022-10-02. Review status: criteria provided, single submitter. Criteria: ACMG Guidelines, 2015. Collection method: clinical testing. Allele origin: germline.

Genome-Nilou Lab
Classification: Likely benign for Tuberous sclerosis 2. Last evaluated: 2021-11-07. Review status: criteria provided, single submitter. Criteria: ACMG Guidelines, 2015. Collection method: clinical testing. Allele origin: germline. Affected: no.

GeneDx
Classification: Likely benign. Last evaluated: 2021-03-02. Review status: criteria provided, single submitter. Criteria: GeneDx Variant Classification Process June 2021. Collection method: clinical testing. Allele origin: germline. Affected: yes.

Ambry Genetics
Classification: Likely benign for Hereditary cancer-predisposing syndrome. Last evaluated: 2018-06-14. Review status: criteria provided, single submitter. Criteria: Ambry Variant Classification Scheme 2023. Collection method: clinical testing. Allele origin: germline.

Athena Diagnostics
Classification: Likely benign. Last evaluated: 2017-12-20. Review status: criteria provided, single submitter. Criteria: Athena Diagnostics Criteria. Collection method: clinical testing. Allele origin: germline.

Illumina Laboratory Services, Illumina
Classification: Uncertain significance for Tuberous sclerosis syndrome. Last evaluated: 2017-04-27. Review status: criteria provided, single submitter. Criteria: ICSL Variant Classification Criteria 13 December 2019. Collection method: clinical testing. Allele origin: germline.